The following is an entry in ClinVar:

NM_001791.4(CDC42):c.509A>G (p.Asp170Gly)

Gene: CDC42 (cell division cycle 42; plus strand). Cytogenetic location: 1p36.12.
Variant type: single nucleotide variant.
Coding change: c.509A>G on transcript NM_001791.4 (MANE Select); coding-DNA position 509, A replaced by G.
Protein change: p.Asp170Gly; replaces aspartic acid 170 with glycine.
Molecular consequence: missense variant.
Genome position (GRCh38, 1-based): chr1:22,091,450, A>G. VCF-style: chr1-22091450-A-G. GRCh37 (hg19) VCF-style: chr1-22417943-A-G.
Other names: c.509A>G, p.Asp170Gly (NM_001039802.2); short protein forms D170G.
Identifiers: ClinVar variation 1098376 (VCV001098376.2), dbSNP rs2124053783, ClinGen allele CA338909601.

ClinVar aggregate classification (germline): Likely pathogenic (1 of 4 stars; one submission).

Submission:

Genetics Laboratory, UDIAT-Centre Diagnòstic, Hospital Universitari Parc Tauli
Classification: Likely pathogenic. Last evaluated: 2021-04-26. Review status: criteria provided, single submitter. Criteria: Parc Tauli Hospital Assertion Criteria 2021. Collection method: clinical testing. Allele origin: de novo. Inheritance: Autosomal dominant inheritance. Affected: yes. Observed: 1 heterozygote.
Comment: PM2_supporting;PM6_moderate;PP2_supporting;PP3_supporting